The following is an entry in ClinVar:

ClinVar aggregate classification (germline): Uncertain significance. Review status: criteria provided, multiple submitters, no conflicts (2 of 4 stars). 2 submissions from 2 submitters: Uncertain significance (2). Last evaluated 2024-10-03.

Conditions:
Hereditary cancer-predisposing syndrome. Also called: Hereditary Cancer Syndrome; Tumor predisposition; Hereditary neoplastic syndrome; Neoplastic Syndromes, Hereditary. Identifiers: Orphanet 140162, MedGen C0027672, MeSH D009386, MONDO:0015356.
Hereditary nonpolyposis colorectal neoplasms. Identifiers: MedGen C0009405, MeSH D003123.

Allele frequency attached by ClinVar (database versions not stated): ExAC 0.00001.
gnomAD v4.1: 3 of 1,612,530 alleles (0.00019%); highest among the groups gnomAD compares: South Asian, 0.0022%; no homozygotes.

Submissions (2):

Labcorp Genetics (formerly Invitae), Labcorp
Classification: Uncertain significance for Hereditary nonpolyposis colorectal neoplasms. Last evaluated: 2024-10-03. Review status: criteria provided, single submitter. Criteria: Invitae Variant Classification Sherloc (09022015). Collection method: clinical testing. Allele origin: germline.
Comment: This sequence change replaces arginine, which is basic and polar, with glycine, which is neutral and non-polar, at codon 3 of the PMS2 protein (p.Arg3Gly). This variant is present in population databases (rs763939668, gnomAD 0.006%). This variant has not been reported in the literature in individuals affected with PMS2-related conditions. ClinVar contains an entry for this variant (Variation ID: 2076109). Invitae Evidence Modeling incorporating data from in vitro experimental studies (internal data) indicates that this missense variant is not expected to disrupt PMS2 function with a negative predictive value of 95%. In summary, the available evidence is currently insufficient to determine the role of this variant in disease. Therefore, it has been classified as a Variant of Uncertain Significance.

Ambry Genetics
Classification: Uncertain significance for Hereditary cancer-predisposing syndrome. Last evaluated: 2023-12-29. Review status: criteria provided, single submitter. Criteria: Ambry Variant Classification Scheme 2023. Collection method: clinical testing. Allele origin: germline.
Comment: The p.R3G variant (also known as c.7C>G), located in coding exon 1 of the PMS2 gene, results from a C to G substitution at nucleotide position 7. The arginine at codon 3 is replaced by glycine, an amino acid with dissimilar properties. This amino acid position is conserved. In addition, the in silico prediction for this alteration is inconclusive. Since supporting evidence is limited at this time, the clinical significance of this alteration remains unclear.

NM_000535.7(PMS2):c.7C>G (p.Arg3Gly)

Gene: PMS2 (PMS1 homolog 2, mismatch repair system component; minus strand). Cytogenetic location: 7p22.1.
Variant type: single nucleotide variant.
Coding change: c.7C>G on transcript NM_000535.7 (MANE Select); coding-DNA position 7, C replaced by G.
Protein change: p.Arg3Gly; replaces arginine 3 with glycine.
Molecular consequence: missense variant. On other transcripts: 5 prime UTR variant (11), non-coding transcript variant (1).
Genome position (GRCh38, 1-based): chr7:6,009,013, G>C on the plus strand (C>G on the coding strand, the complement: PMS2 is on the minus strand). VCF-style: chr7-6009013-G-C. GRCh37 (hg19) VCF-style: chr7-6048644-G-C.
Other names: c.-394C>G (NM_001018040.1, NM_001322003.2, NM_001322013.2 and 5 more transcripts); c.-259C>G (NM_001322004.2, NM_001322010.2, NM_001406911.1); c.-589C>G (NM_001322005.2); c.7C>G, p.Arg3Gly (NM_001322006.2, NM_001322014.2, NM_001406866.1 and 11 more transcripts); c.-209C>G (NM_001322007.2, NM_001406876.1, NM_001406896.1 and 2 more transcripts); c.-69C>G (NM_001322008.2); c.-584C>G (NM_001322009.2, NM_001406897.1); c.-878C>G (NM_001322011.2); and 19 more; short protein forms R3G.
Identifiers: ClinVar variation 2076109 (VCV002076109.5), dbSNP rs763939668, ClinGen allele CA051682.